The following is an entry in ClinVar:

ClinVar aggregate classification (germline): Likely benign. Review status: criteria provided, multiple submitters, no conflicts (2 of 4 stars). 3 submissions from 3 submitters: Likely benign (3). Last evaluated 2026-01-01.

Allele frequency attached by ClinVar (database versions not stated): ExAC 0.00014; gnomAD 0.00014; TOPMed 0.00019; ESP Exome Variant Server 0.00023.
gnomAD v4.1: 321 of 1,613,950 alleles (0.02%); highest among the groups gnomAD compares: Non-Finnish European, 0.026%; no homozygotes.

Submissions (3):

CeGaT Center for Human Genetics Tuebingen
Classification: Likely benign. Last evaluated: 2026-01-01. Review status: criteria provided, single submitter. Criteria: CeGaT Center For Human Genetics Tuebingen Variant Classification Criteria Version 2. Collection method: clinical testing. Allele origin: germline. Affected: yes. Observed: 1 variant allele.
Comment: NCKAP1L: BP4, BP7

Labcorp Genetics (formerly Invitae), Labcorp
Classification: Likely benign. Last evaluated: 2025-12-10. Review status: criteria provided, single submitter. Criteria: Invitae Variant Classification Sherloc (09022015). Collection method: clinical testing. Allele origin: germline.

Blueprint Genetics
Classification: Likely benign. Last evaluated: 2024-09-16. Review status: criteria provided, single submitter. Criteria: ACMG Guidelines, 2015. Collection method: clinical testing. Allele origin: germline.

NM_005337.5(NCKAP1L):c.1923C>T (p.Asn641=)

Gene: NCKAP1L (NCK associated protein 1 like; plus strand). Cytogenetic location: 12q13.2.
Variant type: single nucleotide variant.
Coding change: c.1923C>T on transcript NM_005337.5 (MANE Select); coding-DNA position 1923, C replaced by T.
Protein change: p.Asn641=; no amino-acid change (asparagine 641 retained).
Molecular consequence: synonymous variant.
Genome position (GRCh38, 1-based): chr12:54,523,438, C>T. VCF-style: chr12-54523438-C-T. GRCh37 (hg19) VCF-style: chr12-54917222-C-T.
Other names: c.1773C>T, p.Asn591= (NM_001184976.2).
Identifiers: ClinVar variation 2074828 (VCV002074828.10), dbSNP rs146187661, ClinGen allele CA6609308.